The following is an entry in ClinVar:

NM_007286.6(SYNPO):c.2367_2384del (p.Pro795_Pro800del)

Genes: SYNPO (synaptopodin; plus strand), LOC129995011 (ATAC-STARR-seq lymphoblastoid silent region 16516; plus strand). Cytogenetic location: 5q33.1.
Variant type: Deletion.
Coding change: c.2367_2384del on transcript NM_007286.6 (MANE Select); coding-DNA positions 2367 to 2384, 18 bases deleted (ACCGCCCCCGCCCCCGCC).
Protein change: p.Pro795_Pro800del.
Molecular consequence: inframe deletion.
Genome position (GRCh38, 1-based): chr5:150,656,742-150,656,759, ACCGCCCCCGCCCCCGCC deleted; deleting any 18 consecutive bases within chr5:150,656,738-150,656,759 gives the same sequence; the c. name uses the placement nearest the transcript's 3' end. VCF-style (leftmost placement, unchanged base first): chr5-150656737-GCGCCACCGCCCCCGCCCC-G. GRCh37 (hg19) VCF-style: chr5-150036299-GCGCCACCGCCCCCGCCCC-G.
Identifiers: ClinVar variation 2049315 (VCV002049315.4), dbSNP rs1239165495, ClinGen allele CA805598322.
Genomic context (GRCh38, chr5:150,656,737, plus strand): 5'-AAGAGCGCCTCCCCGCGGTCGGCGGGCGCCGAGAACCCGCGGCCCTTCTCCCCGCCGAGG[GCGCCACCGCCCCCGCCCC>G]CGCCCCCGCCCCCGCCCCCGCGCATGCGCTCGCCACAGCCCGCCCGCCCCGGCTCGGCTG-3'

ClinVar aggregate classification (germline): Uncertain significance (1 of 4 stars; one submission).

Submission:

Labcorp Genetics (formerly Invitae), Labcorp
Classification: Uncertain significance. Last evaluated: 2022-03-06. Review status: criteria provided, single submitter. Criteria: Invitae Variant Classification Sherloc (09022015). Collection method: clinical testing. Allele origin: germline.
Comment: In summary, the available evidence is currently insufficient to determine the role of this variant in disease. Therefore, it has been classified as a Variant of Uncertain Significance. Experimental studies and prediction algorithms are not available or were not evaluated, and the functional significance of this variant is currently unknown. This variant has not been reported in the literature in individuals affected with SYNPO-related conditions. The frequency data for this variant in the population databases is considered unreliable, as metrics indicate insufficient coverage at this position in the gnomAD database. This variant, c.2367_2384del, results in the deletion of 6 amino acid(s) of the SYNPO protein (p.Pro795_Pro800del), but otherwise preserves the integrity of the reading frame.